The following is an entry in ClinVar:

NM_000321.3(RB1):c.2285A>G (p.Gln762Arg)

Gene: RB1 (RB transcriptional corepressor 1; plus strand). Cytogenetic location: 13q14.2.
Variant type: single nucleotide variant.
Coding change: c.2285A>G on transcript NM_000321.3 (MANE Select); coding-DNA position 2285, A replaced by G.
Protein change: p.Gln762Arg; replaces glutamine 762 with arginine.
Molecular consequence: missense variant.
Genome position (GRCh38, 1-based): chr13:48,465,071, A>G. VCF-style: chr13-48465071-A-G. GRCh37 (hg19) VCF-style: chr13-49039207-A-G.
Other names: c.2285A>G, p.Gln762Arg (NM_001407165.1); short protein forms Q762R.
Identifiers: ClinVar variation 3430929 (VCV003430929.1).
Genomic context (GRCh38, chr13:48,465,071, plus strand): 5'-TTTTGATCAAAGAAGAGGAGTATGATTCTATTATAGTATTCTATAACTCGGTCTTCATGC[A>G]GAGACTGAAAACAAATATTTTGCAGTATGCTTCCACCAGGGTAGGTCAAAAGTATCCTTT-3'
Protein context (NP_000312.2, residues 752-772): IIVFYNSVFM[Gln762Arg]RLKTNILQYA

ClinVar aggregate classification (germline): Uncertain significance (1 of 4 stars; one submission).

Conditions:
Hereditary cancer-predisposing syndrome. Also called: Neoplastic Syndromes, Hereditary; Tumor predisposition; Hereditary Cancer Syndrome; Hereditary neoplastic syndrome. Identifiers: Orphanet 140162, MedGen C0027672, MeSH D009386, MONDO:0015356.

Submission:

Ambry Genetics
Classification: Uncertain significance for Hereditary cancer-predisposing syndrome. Last evaluated: 2024-11-22. Review status: criteria provided, single submitter. Criteria: Ambry Variant Classification Scheme 2023. Collection method: clinical testing. Allele origin: germline.
Comment: The p.Q762R variant (also known as c.2285A>G), located in coding exon 22 of the RB1 gene, results from an A to G substitution at nucleotide position 2285. The glutamine at codon 762 is replaced by arginine, an amino acid with highly similar properties. This amino acid position is conserved. In addition, the in silico prediction for this alteration is inconclusive. Based on the available evidence, the clinical significance of this variant remains unclear.